The following is an entry in ClinVar:

NM_018897.3(DNAH7):c.1152G>A (p.Thr384=)

Gene: DNAH7 (dynein axonemal heavy chain 7; minus strand). Cytogenetic location: 2q32.3.
Variant type: single nucleotide variant.
Coding change: c.1152G>A on transcript NM_018897.3 (MANE Select); coding-DNA position 1152, G replaced by A.
Protein change: p.Thr384=; no amino-acid change (threonine 384 retained).
Molecular consequence: synonymous variant.
Genome position (GRCh38, 1-based): chr2:196,001,696, C>T on the plus strand (G>A on the coding strand, the complement: DNAH7 is on the minus strand). VCF-style: chr2-196001696-C-T. GRCh37 (hg19) VCF-style: chr2-196866420-C-T.
Identifiers: ClinVar variation 402756 (VCV000402756.8), dbSNP rs6434811, ClinGen allele CA2036745.
Genomic context (GRCh38, chr2:196,001,696, plus strand): 5'-AATTTGTAAATACATATTGGTGAACTGAACCATACTTACTGGGGGTTGTGCAATTAAGTC[C>T]GTGAAATCTTGCATGGAGACTAAAGTGAGGTCCTGCAGCTGTAAAGTCATAAGTGCAGCA-3'
Protein context (NP_061720.2, residues 374-394): DLTLVSMQDF[Thr384=]DLIAQPPDSV

ClinVar aggregate classification (germline): Benign. Review status: criteria provided, multiple submitters, no conflicts (2 of 4 stars). 3 submissions from 3 submitters: Benign (3). Last evaluated 2019-09-11.

Allele frequency attached by ClinVar (database versions not stated): 1000 Genomes Project 30x 0.64694; 1000 Genomes Project 0.65375; TOPMed 0.69006; gnomAD 0.70848 and 0.71894; ESP Exome Variant Server 0.73028; ExAC 0.82819; gnomAD exomes 0.83359 and 0.88800.
gnomAD v4.1: 1,373,128 of 1,577,548 alleles (87%); highest among the groups gnomAD compares: South Asian, 92%; 612,613 homozygotes.

Submissions (3):

GeneDx
Classification: Benign. Last evaluated: 2019-09-11. Review status: criteria provided, single submitter. Criteria: GeneDx Variant Classification Process June 2021. Collection method: clinical testing. Allele origin: germline. Affected: yes.

Laboratory for Molecular Medicine, Mass General Brigham Personalized Medicine
Classification: Benign. Last evaluated: 2016-03-29. Review status: criteria provided, single submitter. Criteria: LMM Criteria. Collection method: clinical testing. Allele origin: germline.
Comment: Variant identified in a genome or exome case(s) and assessed due to predicted null impact of the variant or pathogenic assertions in the literature or databases. Disclaimer: This variant has not undergone full assessment. The following are preliminary notes: Frequency

Breakthrough Genomics
Classification: Benign. Review status: criteria provided, single submitter. Criteria: ACMG Guidelines, 2015. Collection method: not provided. Allele origin: germline. Inheritance: Unknown mechanism. Affected: yes.